The following is an entry in ClinVar:

ClinVar aggregate classification (germline): Uncertain significance (1 of 4 stars; one submission).

gnomAD v4.1: 1 of 1,614,210 alleles (0.000062%); highest among the groups gnomAD compares: East Asian, 0.0022%; no homozygotes.

Submission:

Ambry Genetics
Classification: Uncertain significance. Last evaluated: 2024-09-30. Review status: criteria provided, single submitter. Criteria: Ambry Variant Classification Scheme 2023. Collection method: clinical testing. Allele origin: germline.
Comment: The p.W165L variant (also known as c.494G>T), located in coding exon 7 of the RAD54L gene, results from a G to T substitution at nucleotide position 494. The tryptophan at codon 165 is replaced by leucine, an amino acid with similar properties. This amino acid position is conserved. In addition, this alteration is predicted to be deleterious by in silico analysis. Since supporting evidence is limited at this time, the clinical significance of this alteration remains unclear.

NM_003579.4(RAD54L):c.494G>T (p.Trp165Leu)

Gene: RAD54L (RAD54 like; plus strand). Cytogenetic location: 1p34.1.
Variant type: single nucleotide variant.
Coding change: c.494G>T on transcript NM_003579.4 (MANE Select); coding-DNA position 494, G replaced by T.
Protein change: p.Trp165Leu; replaces tryptophan 165 with leucine.
Molecular consequence: missense variant. On other transcripts: 5 prime UTR variant (1).
Genome position (GRCh38, 1-based): chr1:46,260,743, G>T. VCF-style: chr1-46260743-G-T. GRCh37 (hg19) VCF-style: chr1-46726415-G-T.
Other names: c.494G>T, p.Trp165Leu (NM_001142548.2); c.-47G>T (NM_001370766.1); short protein forms W165L.
Identifiers: ClinVar variation 1744325 (VCV001744325.3), dbSNP rs1191477654, ClinGen allele CA340185469.